The following is an entry in ClinVar:

ClinVar aggregate classification (germline): Uncertain significance (1 of 4 stars; one submission).

Conditions:
Combined immunodeficiency due to LRBA deficiency. Also called: Common variable immunodeficiency 8, with autoimmunity. Identifiers: Orphanet 445018, MedGen C3553512, MONDO:0013863, OMIM 614700.

Allele frequency attached by ClinVar (database versions not stated): gnomAD exomes below 0.00001.

Submission:

Labcorp Genetics (formerly Invitae), Labcorp
Classification: Uncertain significance for Combined immunodeficiency due to LRBA deficiency. Last evaluated: 2020-08-05. Review status: criteria provided, single submitter. Criteria: Invitae Variant Classification Sherloc (09022015). Collection method: clinical testing. Allele origin: germline.
Comment: This variant is not present in population databases (ExAC no frequency). In summary, the available evidence is currently insufficient to determine the role of this variant in disease. Therefore, it has been classified as a Variant of Uncertain Significance. Nucleotide substitutions within the consensus splice site are a relatively common cause of aberrant splicing (PMID: 17576681, 9536098). Algorithms developed to predict the effect of sequence changes on RNA splicing suggest that this variant may disrupt the consensus splice site, but this prediction has not been confirmed by published transcriptional studies. This variant has not been reported in the literature in individuals with LRBA-related conditions. This sequence change falls in intron 54 of the LRBA gene. It does not directly change the encoded amino acid sequence of the LRBA protein, but it affects a nucleotide within the consensus splice site of the intron.

Literature cited by the submitters: PubMed 17576681; PubMed 9536098.

NM_001364905.1(LRBA):c.8017+4A>T

Gene: LRBA (LPS responsive beige-like anchor protein; minus strand). Cytogenetic location: 4q31.3.
Variant type: single nucleotide variant.
Coding change: c.8017+4A>T on transcript NM_001364905.1 (MANE Select); 4 bases into the intron after coding-DNA position 8017, A replaced by T.
Molecular consequence: intron variant.
Genome position (GRCh38, 1-based): chr4:150,302,621, T>A on the plus strand (A>T on the coding strand, the complement: LRBA is on the minus strand). VCF-style: chr4-150302621-T-A. GRCh37 (hg19) VCF-style: chr4-151223773-T-A.
Other names: c.8032+4A>T (NM_001367550.1, NM_001440431.1); c.8050+4A>T (NM_006726.5); c.8014+7A>T (NM_001199282.3); c.8065+4A>T (NM_001440430.1); c.1735+4A>T (NM_001440432.1); c.1729+4A>T (NM_001440433.1).
Identifiers: ClinVar variation 1057372 (VCV001057372.7), dbSNP rs1729816796, ClinGen allele CA1503424211.